The following is an entry in ClinVar:

NM_005720.4(ARPC1B):c.239C>T (p.Thr80Met)

Gene: ARPC1B (actin related protein 2/3 complex subunit 1B; plus strand). Cytogenetic location: 7q22.1.
Variant type: single nucleotide variant.
Coding change: c.239C>T on transcript NM_005720.4 (MANE Select); coding-DNA position 239, C replaced by T.
Protein change: p.Thr80Met; replaces threonine 80 with methionine.
Molecular consequence: missense variant.
Genome position (GRCh38, 1-based): chr7:99,388,108, C>T. VCF-style: chr7-99388108-C-T. GRCh37 (hg19) VCF-style: chr7-98985731-C-T.
Other names: short protein forms T80M.
Identifiers: ClinVar variation 1429397 (VCV001429397.6), dbSNP rs774083226, ClinGen allele CA4363958.
Genomic context (GRCh38, chr7:99,388,108, plus strand): 5'-GGGCCCCCGAGAGTAACCGTATTGTGACCTGCGGCACAGACCGCAACGCCTACGTGTGGA[C>T]GCTGAAGGGCCGCACATGGAAGCCCACGCTGGTCATCCTGCGGATCAACCGGGCTGCCCG-3'
Protein context (NP_005711.1, residues 70-90): CGTDRNAYVW[Thr80Met]LKGRTWKPTL

ClinVar aggregate classification (germline): Uncertain significance (1 of 4 stars; one submission).

Allele frequency attached by ClinVar (database versions not stated): ExAC 0.00001; gnomAD 0.00001; TOPMed 0.00001; gnomAD exomes 0.00002.
gnomAD v4.1: 37 of 1,614,028 alleles (0.0023%); highest among the groups gnomAD compares: Middle Eastern, 0.016%; no homozygotes.

Submission:

Labcorp Genetics (formerly Invitae), Labcorp
Classification: Uncertain significance. Last evaluated: 2021-09-04. Review status: criteria provided, single submitter. Criteria: Invitae Variant Classification Sherloc (09022015). Collection method: clinical testing. Allele origin: germline.
Comment: In summary, the available evidence is currently insufficient to determine the role of this variant in disease. Therefore, it has been classified as a Variant of Uncertain Significance. Algorithms developed to predict the effect of missense changes on protein structure and function are either unavailable or do not agree on the potential impact of this missense change (SIFT: "Deleterious"; PolyPhen-2: "Possibly Damaging"; Align-GVGD: "Class C15"). This variant has not been reported in the literature in individuals with ARPC1B-related conditions. This variant is present in population databases (rs774083226, ExAC 0.001%). This sequence change replaces threonine with methionine at codon 80 of the ARPC1B protein (p.Thr80Met). The threonine residue is highly conserved and there is a moderate physicochemical difference between threonine and methionine.